The following is an entry in ClinVar:

ClinVar aggregate classification (germline): Benign (1 of 4 stars; one submission).

Allele frequency attached by ClinVar (database versions not stated): gnomAD 0.04184 and 0.04482; TOPMed 0.04813; 1000 Genomes Project 0.04892; 1000 Genomes Project 30x 0.04997.
gnomAD v4.1: 6,297 of 152,244 alleles (4.1%); highest among the groups gnomAD compares: African/African-American, 14%; 430 homozygotes.

Submission:

GeneDx
Classification: Benign. Last evaluated: 2018-06-14. Review status: criteria provided, single submitter. Criteria: GeneDx Variant Classification (06012015). Collection method: clinical testing. Allele origin: germline. Affected: yes.
Comment: This variant is considered likely benign or benign based on one or more of the following criteria: it is a conservative change, it occurs at a poorly conserved position in the protein, it is predicted to be benign by multiple in silico algorithms, and/or has population frequency not consistent with disease.

NM_001195518.2(MICU1):c.1180+208T>G

Gene: MICU1 (mitochondrial calcium uptake 1; minus strand). Cytogenetic location: 10q22.1.
Variant type: single nucleotide variant.
Coding change: c.1180+208T>G on transcript NM_001195518.2 (MANE Select); 208 bases into the intron after coding-DNA position 1180, T replaced by G.
Molecular consequence: intron variant.
Genome position (GRCh38, 1-based): chr10:72,407,721, A>C on the plus strand (T>G on the coding strand, the complement: MICU1 is on the minus strand). VCF-style: chr10-72407721-A-C. GRCh37 (hg19) VCF-style: chr10-74167479-A-C.
Other names: c.1186+208T>G (NM_006077.4); c.1198+208T>G (NM_001363513.2); c.586+208T>G (NM_001195519.2).
Identifiers: ClinVar variation 673171 (VCV000673171.1), dbSNP rs111957324, ClinGen allele CA209542180.